The following is an entry in ClinVar:

NM_002878.4(RAD51D):c.263+8T>G

Genes: RAD51L3-RFFL (RAD51L3-RFFL readthrough; minus strand), RAD51D (RAD51 paralog D; minus strand). Cytogenetic location: 17q12.
Variant type: single nucleotide variant.
Coding change: c.263+8T>G on transcript NM_002878.4 (MANE Select); 8 bases into the intron after coding-DNA position 263, T replaced by G.
Molecular consequence: intron variant.
Genome position (GRCh38, 1-based): chr17:35,118,493, A>C on the plus strand (T>G on the coding strand, the complement: RAD51D is on the minus strand). VCF-style: chr17-35118493-A-C. GRCh37 (hg19) VCF-style: chr17-33445512-A-C.
Other names: c.144+618T>G (NM_133629.3, NM_001142571.2).
Identifiers: ClinVar variation 3904338 (VCV003904338.1).
Genomic context (GRCh38, chr17:35,118,493, plus strand): 5'-AAAAGCAGAGCTGAGAGGAGGCCCCATCCTCCTGCCTCTCTCCTTCTTCCCCAAGTACAC[A>C]CACAAACCTGCCAATGCCAGTGGACAGGATGGCAGTGGAGGTCTTCAGTTCCTCGTAGAG-3'

ClinVar aggregate classification (germline): Likely benign (1 of 4 stars; one submission).

Conditions:
Breast-ovarian cancer, familial, susceptibility to, 4. Identifiers: Orphanet 145, MedGen C3280345, MONDO:0013669, OMIM 614291.

Submission:

Myriad Genetics, Inc.
Classification: Likely benign for Breast-ovarian cancer, familial, susceptibility to, 4. Last evaluated: 2025-02-20. Review status: criteria provided, single submitter. Criteria: Myriad Autosomal Dominant, Autosomal Recessive and X-Linked Classification Criteria (2023). Collection method: clinical testing. Allele origin: unknown.
Comment: This variant is considered likely benign. This variant is intronic and is not expected to impact mRNA splicing.